The following is an entry in ClinVar:

NM_014112.5(TRPS1):c.784G>A (p.Gly262Arg)

Gene: TRPS1 (transcriptional repressor GATA binding 1; minus strand). Cytogenetic location: 8q23.3.
Variant type: single nucleotide variant.
Coding change: c.784G>A on transcript NM_014112.5 (MANE Select); coding-DNA position 784, G replaced by A.
Protein change: p.Gly262Arg; replaces glycine 262 with arginine.
Molecular consequence: missense variant.
Genome position (GRCh38, 1-based): chr8:115,619,314, C>T on the plus strand (G>A on the coding strand, the complement: TRPS1 is on the minus strand). VCF-style: chr8-115619314-C-T. GRCh37 (hg19) VCF-style: chr8-116631541-C-T.
Other names: c.757G>A, p.Gly253Arg (NM_001282902.3); c.763G>A, p.Gly255Arg (NM_001282903.3); c.745G>A, p.Gly249Arg (NM_001330599.2); short protein forms G249R, G253R, G255R, G262R.
Identifiers: ClinVar variation 1800992 (VCV001800992.1), dbSNP rs2536914073, ClinGen allele CA372068869.
Genomic context (GRCh38, chr8:115,619,314, plus strand): 5'-TATGAAGGGCCAAGATTTTGCTGTCCAGCTCAGCATCTTGCCTGGTGCGGTTATGCAGTC[C>T]TAAGTGATACTTTCGGAAGTGCTTAATCAGATCTGTGGGGTCGTTGCCGTAGTAACCATA-3'
Protein context (NP_054831.2, residues 252-272): LIKHFRKYHL[Gly262Arg]LHNRTRQDAE

ClinVar aggregate classification (germline): Uncertain significance (1 of 4 stars; one submission).

Allele frequency attached by ClinVar (database versions not stated): gnomAD exomes below 0.00001.
gnomAD v4.1: 1 of 1,614,196 alleles (0.000062%); highest among the groups gnomAD compares: Non-Finnish European, 0.000085%; no homozygotes.

Submission:

GeneDx
Classification: Uncertain significance. Last evaluated: 2022-05-25. Review status: criteria provided, single submitter. Criteria: GeneDx Variant Classification Process June 2021. Collection method: clinical testing. Allele origin: germline. Affected: yes.
Comment: Not observed at significant frequency in large population cohorts (gnomAD); In silico analysis supports that this missense variant has a deleterious effect on protein structure/function; Has not been previously published as pathogenic or benign to our knowledge